The following is an entry in ClinVar:

NM_031935.3(HMCN1):c.3153C>T (p.Cys1051=)

Gene: HMCN1 (hemicentin 1; plus strand). Cytogenetic location: 1q31.1.
Variant type: single nucleotide variant.
Coding change: c.3153C>T on transcript NM_031935.3 (MANE Select); coding-DNA position 3153, C replaced by T.
Protein change: p.Cys1051=; no amino-acid change (cysteine 1051 retained).
Molecular consequence: synonymous variant.
Genome position (GRCh38, 1-based): chr1:185,989,592, C>T. VCF-style: chr1-185989592-C-T. GRCh37 (hg19) VCF-style: chr1-185958724-C-T.
Identifiers: ClinVar variation 2639645 (VCV002639645.26), dbSNP rs754008118, ClinGen allele CA1291630.

ClinVar aggregate classification (germline): Likely benign. Review status: criteria provided, multiple submitters, no conflicts (2 of 4 stars). 2 submissions from 2 submitters: Likely benign (2). Last evaluated 2025-02-07.

Allele frequency attached by ClinVar (database versions not stated): gnomAD 0.00001; ExAC 0.00002; TOPMed 0.00002; gnomAD exomes 0.00003.
gnomAD v4.1: 42 of 1,613,810 alleles (0.0026%); highest among the groups gnomAD compares: Middle Eastern, 0.017%; no homozygotes.

Submissions (2):

Labcorp Genetics (formerly Invitae), Labcorp
Classification: Likely benign. Last evaluated: 2025-02-07. Review status: criteria provided, single submitter. Criteria: Invitae Variant Classification Sherloc (09022015). Collection method: clinical testing. Allele origin: germline.

CeGaT Center for Human Genetics Tuebingen
Classification: Likely benign. Last evaluated: 2022-05-01. Review status: criteria provided, single submitter. Criteria: CeGaT Center For Human Genetics Tuebingen Variant Classification Criteria Version 2. Collection method: clinical testing. Allele origin: germline. Affected: yes. Observed: 1 variant allele.
Comment: HMCN1: BP4, BP7